The following is an entry in ClinVar:

ClinVar aggregate classification (germline): Uncertain significance. Review status: criteria provided, multiple submitters, no conflicts (2 of 4 stars). 2 submissions from 2 submitters: Uncertain significance (2). Last evaluated 2022-06-13.

Allele frequency attached by ClinVar (database versions not stated): gnomAD exomes below 0.00001; gnomAD 0.00003 and 0.00004; TOPMed 0.00006.
gnomAD v4.1: 5 of 1,614,072 alleles (0.00031%); highest among the groups gnomAD compares: African/African-American, 0.0067%; no homozygotes.

Submissions (2):

Labcorp Genetics (formerly Invitae), Labcorp
Classification: Uncertain significance. Last evaluated: 2022-06-13. Review status: criteria provided, single submitter. Criteria: Invitae Variant Classification Sherloc (09022015). Collection method: clinical testing. Allele origin: germline.
Comment: In summary, the available evidence is currently insufficient to determine the role of this variant in disease. Therefore, it has been classified as a Variant of Uncertain Significance. Algorithms developed to predict the effect of missense changes on protein structure and function (SIFT, PolyPhen-2, Align-GVGD) all suggest that this variant is likely to be tolerated. This variant has not been reported in the literature in individuals affected with IMPG2-related conditions. This variant is present in population databases (no rsID available, gnomAD 0.008%). This sequence change replaces lysine, which is basic and polar, with arginine, which is basic and polar, at codon 236 of the IMPG2 protein (p.Lys236Arg).

Blueprint Genetics
Classification: Uncertain significance. Last evaluated: 2022-05-17. Review status: criteria provided, single submitter. Criteria: ACMG Guidelines, 2015. Collection method: clinical testing. Allele origin: germline.

NM_016247.4(IMPG2):c.707A>G (p.Lys236Arg)

Gene: IMPG2 (interphotoreceptor matrix proteoglycan 2; minus strand). Cytogenetic location: 3q12.3.
Variant type: single nucleotide variant.
Coding change: c.707A>G on transcript NM_016247.4 (MANE Select); coding-DNA position 707, A replaced by G.
Protein change: p.Lys236Arg; replaces lysine 236 with arginine.
Molecular consequence: missense variant.
Genome position (GRCh38, 1-based): chr3:101,273,702, T>C on the plus strand (A>G on the coding strand, the complement: IMPG2 is on the minus strand). VCF-style: chr3-101273702-T-C. GRCh37 (hg19) VCF-style: chr3-100992546-T-C.
Other names: short protein forms K236R.
Identifiers: ClinVar variation 1383023 (VCV001383023.5), dbSNP rs976503788, ClinGen allele CA79748642.